The following is an entry in ClinVar:

ClinVar aggregate classification (germline): Pathogenic. Review status: criteria provided, multiple submitters, no conflicts (2 of 4 stars). 5 submissions from 5 submitters: Pathogenic (5). Last evaluated 2025-07-15.

Conditions:
Hereditary cancer-predisposing syndrome. Also called: Tumor predisposition; Hereditary Cancer Syndrome; Hereditary neoplastic syndrome; Neoplastic Syndromes, Hereditary. Identifiers: Orphanet 140162, MedGen C0027672, MeSH D009386, MONDO:0015356.
Familial cancer of breast. Also called: BREAST CANCER, FAMILIAL; hereditary breast carcinoma; Hereditary breast cancer. Identifiers: Orphanet 227535, MedGen C0346153, MONDO:0016419, OMIM 114480. Disease mechanism: loss of function.
Ataxia-telangiectasia syndrome (AT). Also called: LOUIS-BAR SYNDROME; Cerebello-oculocutaneous telangiectasia; Immunodeficiency with ataxia telangiectasia; ATAXIA-TELANGIECTASIA, COMPLEMENTATION GROUP A; ATAXIA-TELANGIECTASIA, FRESNO VARIANT; Ataxia-telangiectasia. Identifiers: Orphanet 100, MedGen C0004135, MONDO:0008840, OMIM 208900.

Submissions (5):

Quest Diagnostics Nichols Institute San Juan Capistrano
Classification: Pathogenic. Last evaluated: 2025-07-15. Review status: criteria provided, single submitter. Criteria: Quest Diagnostics criteria. Collection method: clinical testing. Allele origin: unknown.
Comment: The ATM c.3526del (p.Leu1176Cysfs*5) variant alters the translational reading frame of the ATM mRNA and causes the premature termination of ATM protein synthesis. This variant has been reported in the published literature in an individual affected with breast cancer (PMID: 36672847 (2022)) and other cancers (PMID: 26681312 (2015), 38795236 (2024)). This variant has not been reported in large, multi-ethnic general populations (Genome Aggregation Database). Based on the available information, this variant is classified as pathogenic.

Myriad Genetics, Inc.
Classification: Pathogenic for Familial cancer of breast. Last evaluated: 2024-01-22. Review status: criteria provided, single submitter. Criteria: Myriad Autosomal Dominant, Autosomal Recessive and X-Linked Classification Criteria (2023). Collection method: clinical testing. Allele origin: unknown.
Comment: This variant is considered pathogenic. This variant creates a frameshift predicted to result in premature protein truncation.

Labcorp Genetics (formerly Invitae), Labcorp
Classification: Pathogenic for Ataxia-telangiectasia syndrome. Last evaluated: 2023-06-30. Review status: criteria provided, single submitter. Criteria: Invitae Variant Classification Sherloc (09022015). Collection method: clinical testing. Allele origin: germline.
Comment: This sequence change creates a premature translational stop signal (p.Leu1176Cysfs*5) in the ATM gene. It is expected to result in an absent or disrupted protein product. Loss-of-function variants in ATM are known to be pathogenic (PMID: 23807571, 25614872). This variant is not present in population databases (gnomAD no frequency). This premature translational stop signal has been observed in individual(s) with haematologic cancer (PMID: 26681312). ClinVar contains an entry for this variant (Variation ID: 181873). For these reasons, this variant has been classified as Pathogenic.

Ambry Genetics
Classification: Pathogenic for Hereditary cancer-predisposing syndrome. Last evaluated: 2019-12-16. Review status: criteria provided, single submitter. Criteria: Ambry Variant Classification Scheme 2023. Collection method: clinical testing. Allele origin: germline.
Comment: The c.3526delC pathogenic mutation, located in coding exon 23 of the ATM gene, results from a deletion of one nucleotide at nucleotide position 3526, causing a translational frameshift with a predicted alternate stop codon (p.L1176Cfs*5). This alteration was identified in 1/10030 consecutive patients referred for evaluation by an NGS hereditary cancer panel (Susswein LR et al. Genet. Med., 2016 08;18:823-32). In addition to the clinical data presented in the literature, this alteration is expected to result in loss of function by premature protein truncation or nonsense-mediated mRNA decay. As such, this alteration is interpreted as a disease-causing mutation.

GeneDx
Classification: Pathogenic. Last evaluated: 2018-01-24. Review status: criteria provided, single submitter. Criteria: GeneDx Variant Classification (06012015). Collection method: clinical testing. Allele origin: germline. Affected: yes.
Comment: This deletion of one nucleotide is denoted ATM c.3526delC at the cDNA level and p.Leu1176CysfsX5 (L1176CfsX5) at the protein level. The normal sequence, with the base that is deleted in brackets, is TGCC[delC]TGTG. The deletion causes a frameshift, which changes a Leucine to a Cysteine at codon 1176, and creates a premature stop codon at position 5 of the new reading frame. This variant is predicted to cause loss of normal protein function through either protein truncation or nonsense-mediated mRNA decay. ATM c.3526delC has been reported in at least one individual with hematologic cancer (Susswein 2016). We consider this variant to be pathogenic.

Literature cited by the submitters: PubMed 23807571 (cited by Labcorp Genetics (formerly Invitae), Labcorp); PubMed 25614872 (cited by Labcorp Genetics (formerly Invitae), Labcorp); PubMed 26681312 (cited by Labcorp Genetics (formerly Invitae), Labcorp and Ambry Genetics).

NM_000051.4(ATM):c.3526del (p.Leu1176fs)

Gene: ATM (ATM serine/threonine kinase; plus strand). Cytogenetic location: 11q22.3.
Variant type: Deletion.
Coding change: c.3526del on transcript NM_000051.4 (MANE Select); coding-DNA position 3526, one base deleted (C; older notation c.3526delC).
Protein change: p.Leu1176fs; shifts the reading frame from leucine 1176.
Molecular consequence: frameshift variant.
Genome position (GRCh38, 1-based): chr11:108,281,118, C deleted; the last of 3 consecutive C bases (chr11:108,281,116-108,281,118); deleting any one gives the same sequence. VCF-style (leftmost placement, unchanged base first): chr11-108281115-GC-G. GRCh37 (hg19) VCF-style: chr11-108151842-GC-G.
Other names: c.3526delC (NM_000051.3); c.3526del, p.Leu1176fs (NM_001351834.2); short protein forms L1176fs.
Identifiers: ClinVar variation 181873 (VCV000181873.17), dbSNP rs730881302, ClinGen allele CA298016.